The following is an entry in ClinVar:

ClinVar aggregate classification (germline): Likely pathogenic. Review status: criteria provided, multiple submitters, no conflicts (2 of 4 stars). 2 submissions from 2 submitters: Likely pathogenic (2). Last evaluated 2021-09-10.

Conditions:
Osteogenesis imperfecta (OI). Identifiers: Orphanet 666, MedGen C0029434, MeSH D010013, MONDO:0019019.
Osteogenesis imperfecta type I (OI1). Also called: Lobstein disease; Lobstein's Disease; OI, TYPE I; OSTEOGENESIS IMPERFECTA TARDA; OSTEOGENESIS IMPERFECTA WITH BLUE SCLERAE; Osteogenesis imperfecta type 1. Identifiers: Orphanet 216796, Orphanet 666, MedGen C0023931, MONDO:0008146, OMIM 166200. Disease mechanism: loss of function.

Submissions (2):

Labcorp Genetics (formerly Invitae), Labcorp
Classification: Likely pathogenic for Osteogenesis imperfecta type I. Last evaluated: 2021-09-10. Review status: criteria provided, single submitter. Criteria: Invitae Variant Classification Sherloc (09022015). Collection method: clinical testing. Allele origin: germline.
Comment: In summary, the currently available evidence indicates that the variant is pathogenic, but additional data are needed to prove that conclusively. Therefore, this variant has been classified as Likely Pathogenic. This variant disrupts the triple helix domain of COL1A1. Glycine residues within the Gly-Xaa-Yaa repeats of the triple helix domain are required for the structure and stability of fibrillar collagens (PMID: 7695699, 8218237, 19344236). In COL1A1, variants affecting these glycine residues are significantly enriched in individuals with disease (PMID: 9016532, 17078022) compared to the general population (ExAC). Advanced modeling of protein sequence and biophysical properties (such as structural, functional, and spatial information, amino acid conservation, physicochemical variation, residue mobility, and thermodynamic stability) performed at Invitae indicates that this missense variant is expected to disrupt COL1A1 protein function. This variant has not been reported in the literature in individuals affected with COL1A1-related conditions. This variant is not present in population databases (ExAC no frequency). This sequence change replaces glycine with aspartic acid at codon 830 of the COL1A1 protein (p.Gly830Asp). The glycine residue is highly conserved and there is a moderate physicochemical difference between glycine and aspartic acid.

Genome Diagnostics Laboratory, The Hospital for Sick Children
Classification: Likely pathogenic for Osteogenesis imperfecta. Last evaluated: 2020-06-01. Review status: criteria provided, single submitter. Criteria: ACMG Guidelines, 2015. Collection method: clinical testing. Allele origin: germline.

Literature cited by the submitters: PubMed 7695699 (cited by Labcorp Genetics (formerly Invitae), Labcorp); PubMed 8218237 (cited by Labcorp Genetics (formerly Invitae), Labcorp); PubMed 19344236 (cited by Labcorp Genetics (formerly Invitae), Labcorp); PubMed 9016532 (cited by Labcorp Genetics (formerly Invitae), Labcorp); PubMed 17078022 (cited by Labcorp Genetics (formerly Invitae), Labcorp).

NM_000088.4(COL1A1):c.2489G>A (p.Gly830Asp)

Gene: COL1A1 (collagen type I alpha 1 chain; minus strand). Cytogenetic location: 17q21.33.
Variant type: single nucleotide variant.
Coding change: c.2489G>A on transcript NM_000088.4 (MANE Select); coding-DNA position 2489, G replaced by A.
Protein change: p.Gly830Asp; replaces glycine 830 with aspartic acid.
Molecular consequence: missense variant.
Genome position (GRCh38, 1-based): chr17:50,190,071, C>T on the plus strand (G>A on the coding strand, the complement: COL1A1 is on the minus strand). VCF-style: chr17-50190071-C-T. GRCh37 (hg19) VCF-style: chr17-48267432-C-T.
Other names: short protein forms G830D.
Identifiers: ClinVar variation 1485435 (VCV001485435.9), dbSNP rs1906940342, ClinGen allele CA400207798.
Genomic context (GRCh38, chr17:50,190,071, plus strand): 5'-GGGGGTCCAGCGGGTCCGGCAGGGCCAGGGGGACCAGCATCGCCTTTAGCACCAGCATCA[C>T]CAGGTTCGCCTTTAGCACCAGGTTGGCCGTCAGCACCCTGGGGGAGGAAGCAGGGCGGTG-3'
Protein context (NP_000079.2, residues 820-840): DGQPGAKGEP[Gly830Asp]DAGAKGDAGP